The following is an entry in ClinVar:

ClinVar aggregate classification (germline): Benign/Likely benign. Review status: criteria provided, multiple submitters, no conflicts (2 of 4 stars). 2 submissions from 2 submitters: Benign (1); Likely benign (1). Last evaluated 2026-01-18.

Allele frequency attached by ClinVar (database versions not stated): gnomAD exomes 0.00223 and 0.00089; ExAC 0.00366; gnomAD 0.00569 and 0.00609; 1000 Genomes Project 0.00619; TOPMed 0.00634; ESP Exome Variant Server 0.00686; 1000 Genomes Project 30x 0.00687.

Submissions (2):

Labcorp Genetics (formerly Invitae), Labcorp
Classification: Benign. Last evaluated: 2026-01-18. Review status: criteria provided, single submitter. Criteria: Invitae Variant Classification Sherloc (09022015). Collection method: clinical testing. Allele origin: germline.

Mayo Clinic Laboratories, Mayo Clinic
Classification: Likely benign. Last evaluated: 2023-10-19. Review status: criteria provided, single submitter. Criteria: ACMG Guidelines, 2015. Collection method: clinical testing. Allele origin: germline. Observed: 3 variant alleles.
Comment: BS1, BP4, BP7

NM_001098671.2(RASGRP2):c.19C>T (p.Leu7=)

Genes: RASGRP2 (RAS guanyl releasing protein 2; minus strand), LOC130005945 (ATAC-STARR-seq lymphoblastoid silent region 3482; plus strand). Cytogenetic location: 11q13.1.
Variant type: single nucleotide variant.
Coding change: c.19C>T on transcript NM_001098671.2 (MANE Select); coding-DNA position 19, C replaced by T.
Protein change: p.Leu7=; no amino-acid change (leucine 7 retained).
Molecular consequence: synonymous variant. On other transcripts: 5 prime UTR variant (1).
Genome position (GRCh38, 1-based): chr11:64,742,848, G>A on the plus strand (C>T on the coding strand, the complement: RASGRP2 is on the minus strand). VCF-style: chr11-64742848-G-A. GRCh37 (hg19) VCF-style: chr11-64510320-G-A.
Other names: p.Leu7=; c.19C>T, p.Leu7= (NM_001098670.2, NM_153819.2); c.-337C>T (NM_001318398.2).
Identifiers: ClinVar variation 776622 (VCV000776622.10), dbSNP rs76302545, ClinGen allele CA6079406.
Genomic context (GRCh38, chr11:64,742,848, plus strand): 5'-ACTCACCGAAGGCTTCGATGCACCCGCGGAGCAGCTCCTCCACCGTGCAGCCCTTGTCCA[G>A]GTCCAGGGTGCCTGCCATGGCCGCCGGCGCGGGGTGGGCTGGGCCCAGGCTGCGCTCCGG-3'
Protein context (NP_001092141.1, residues 1-17): MAGTLD[Leu7=]DKGCTVEELL